The following is an entry in ClinVar:

NM_018192.4(P3H2):c.427A>G (p.Ser143Gly)

Gene: P3H2 (prolyl 3-hydroxylase 2; minus strand). Cytogenetic location: 3q28.
Variant type: single nucleotide variant.
Coding change: c.427A>G on transcript NM_018192.4 (MANE Select); coding-DNA position 427, A replaced by G.
Protein change: p.Ser143Gly; replaces serine 143 with glycine.
Molecular consequence: missense variant. On other transcripts: intron variant (1).
Genome position (GRCh38, 1-based): chr3:190,120,305, T>C on the plus strand (A>G on the coding strand, the complement: P3H2 is on the minus strand). VCF-style: chr3-190120305-T-C. GRCh37 (hg19) VCF-style: chr3-189838094-T-C.
Other names: c.-64+1898A>G (NM_001134418.2); short protein forms S143G.
Identifiers: ClinVar variation 850494 (VCV000850494.7), dbSNP rs1418603067, ClinGen allele CA355859505.

ClinVar aggregate classification (germline): Uncertain significance (1 of 4 stars; one submission).

Allele frequency attached by ClinVar (database versions not stated): gnomAD exomes below 0.00001; TOPMed below 0.00001; gnomAD 0.00001.
gnomAD v4.1: 6 of 1,609,314 alleles (0.00037%); highest among the groups gnomAD compares: Non-Finnish European, 0.00042%; no homozygotes.

Submission:

Labcorp Genetics (formerly Invitae), Labcorp
Classification: Uncertain significance. Last evaluated: 2024-10-22. Review status: criteria provided, single submitter. Criteria: Invitae Variant Classification Sherloc (09022015). Collection method: clinical testing. Allele origin: germline.
Comment: This sequence change replaces serine, which is neutral and polar, with glycine, which is neutral and non-polar, at codon 143 of the P3H2 protein (p.Ser143Gly). This variant is present in population databases (no rsID available, gnomAD 0.007%). This variant has not been reported in the literature in individuals affected with P3H2-related conditions. ClinVar contains an entry for this variant (Variation ID: 850494). Invitae Evidence Modeling of protein sequence and biophysical properties (such as structural, functional, and spatial information, amino acid conservation, physicochemical variation, residue mobility, and thermodynamic stability) indicates that this missense variant is not expected to disrupt P3H2 protein function with a negative predictive value of 80%. In summary, the available evidence is currently insufficient to determine the role of this variant in disease. Therefore, it has been classified as a Variant of Uncertain Significance.